The following is an entry in ClinVar:

NM_000246.4(CIITA):c.2817-8C>G

Gene: CIITA (class II major histocompatibility complex transactivator; plus strand). Cytogenetic location: 16p13.13.
Variant type: single nucleotide variant.
Coding change: c.2817-8C>G on transcript NM_000246.4 (MANE Select); 8 bases into the intron before coding-DNA position 2817, C replaced by G.
Molecular consequence: intron variant.
Genome position (GRCh38, 1-based): chr16:10,910,180, C>G. VCF-style: chr16-10910180-C-G. GRCh37 (hg19) VCF-style: chr16-11004037-C-G.
Other names: c.2820-8C>G (NM_001286402.1, NM_001379332.1); c.2673-8C>G (NM_001379330.1); c.2817-8C>G (NM_001379333.1); c.2670-8C>G (NM_001379331.1); c.1065-8C>G (NM_001286403.2); c.2748-8C>G (NM_001379334.1).
Identifiers: ClinVar variation 827997 (VCV000827997.11), dbSNP rs775728920, ClinGen allele CA277751409.

ClinVar aggregate classification (germline): Conflicting classifications of pathogenicity. Review status: criteria provided, conflicting classifications (1 of 4 stars). 2 submissions from 2 submitters: Uncertain significance (1); Likely benign (1). Last evaluated 2023-12-09.

Conditions:
MHC class II deficiency. Also called: Bare lymphocyte syndrome 2; BLS, TYPE II. Identifiers: Orphanet 572, MedGen C5447452, MONDO:0008855.
MHC class II deficiency 1 (MHC2D1). Also called: Bare lymphocyte syndrome type 2, complementation group A; BARE LYMPHOCYTE SYNDROME, TYPE II, COMPLEMENTATION GROUP A; SCID, HLA CLASS II-NEGATIVE. Identifiers: MedGen C1859534, MONDO:0971005, OMIM 209920.
Rheumatoid arthritis (RA). Also called: RHEUMATOID ARTHRITIS, SUSCEPTIBILITY TO. Identifiers: MedGen C0003873, MONDO:0008383, OMIM 180300, HP:0001370.

Allele frequency attached by ClinVar (database versions not stated): TOPMed below 0.00001; gnomAD exomes 0.00001 and 0.00002.
gnomAD v4.1: 13 of 1,613,574 alleles (0.00081%); highest among the groups gnomAD compares: Middle Eastern, 0.017%; no homozygotes.

Submissions (2):

Labcorp Genetics (formerly Invitae), Labcorp
Classification: Likely benign for MHC class II deficiency. Last evaluated: 2023-12-09. Review status: criteria provided, single submitter. Criteria: Invitae Variant Classification Sherloc (09022015). Collection method: clinical testing. Allele origin: germline.

Center for Genomics, Ann and Robert H. Lurie Children's Hospital of Chicago
Classification: Uncertain significance for Rheumatoid arthritis; MHC class II deficiency 1. Review status: criteria provided, single submitter. Criteria: ACMG Guidelines, 2015. Collection method: clinical testing. Allele origin: germline.
Comment: CIITA NM_000246.3 exon13 c.2817-8C>G: This variant has not been reported in the literature but is present in 0.008% (3/34530) of Latino alleles in the Genome Aggregation Database. Evolutionary conservation and computational predictive tools for this variant are limited or unavailable. This variant is an intronic variant; splice prediction tools suggest that this variant may not affect splicing. However, further studies are needed to understand its impact. In summary, data on this variant is insufficient for disease classification. Therefore, the clinical significance of this variant is uncertain